The following is an entry in ClinVar:

NM_000435.3(NOTCH3):c.1268A>G (p.Tyr423Cys)

Gene: NOTCH3 (notch receptor 3; minus strand). Cytogenetic location: 19p13.12.
Variant type: single nucleotide variant.
Coding change: c.1268A>G on transcript NM_000435.3 (MANE Select); coding-DNA position 1268, A replaced by G.
Protein change: p.Tyr423Cys; replaces tyrosine 423 with cysteine.
Molecular consequence: missense variant.
Genome position (GRCh38, 1-based): chr19:15,189,099, T>C on the plus strand (A>G on the coding strand, the complement: NOTCH3 is on the minus strand). VCF-style: chr19-15189099-T-C. GRCh37 (hg19) VCF-style: chr19-15299910-T-C.
Other names: short protein forms Y423C.
Identifiers: ClinVar variation 447780 (VCV000447780.6), dbSNP rs1555729064, ClinGen allele CA404528126.

ClinVar aggregate classification (germline): Pathogenic/Likely pathogenic. Review status: criteria provided, multiple submitters, no conflicts (2 of 4 stars). 3 submissions from 3 submitters: Pathogenic (1); Likely pathogenic (2). Last evaluated 2025-09-01.

Submissions (3):

Mayo Clinic Laboratories, Mayo Clinic
Classification: Likely pathogenic. Last evaluated: 2025-09-01. Review status: criteria provided, single submitter. Criteria: ACMG Guidelines, 2015. Collection method: clinical testing. Allele origin: germline. Observed: 1 variant allele.
Comment: PP3_moderate, PM1, PM2_supporting, PS4_supporting

Labcorp Genetics (formerly Invitae), Labcorp
Classification: Likely pathogenic. Last evaluated: 2025-08-21. Review status: criteria provided, single submitter. Criteria: Invitae Variant Classification Sherloc (09022015). Collection method: clinical testing. Allele origin: germline.
Comment: This sequence change replaces tyrosine, which is neutral and polar, with cysteine, which is neutral and slightly polar, at codon 423 of the NOTCH3 protein (p.Tyr423Cys). This variant is not present in population databases (gnomAD no frequency). This missense change has been observed in individuals with cerebral arteriopathy with subcortical infarcts and leukoencephalopathy (PMID: 36401683; internal data). ClinVar contains an entry for this variant (Variation ID: 447780). Invitae Evidence Modeling of protein sequence and biophysical properties (such as structural, functional, and spatial information, amino acid conservation, physicochemical variation, residue mobility, and thermodynamic stability) indicates that this missense variant is expected to disrupt NOTCH3 protein function with a positive predictive value of 95%. In summary, the currently available evidence indicates that the variant is pathogenic, but additional data are needed to prove that conclusively. Therefore, this variant has been classified as Likely Pathogenic.

Athena Diagnostics
Classification: Pathogenic. Last evaluated: 2022-11-09. Review status: criteria provided, single submitter. Criteria: Athena Diagnostics Criteria. Collection method: clinical testing. Allele origin: unknown.
Comment: This variant has been identified in at least one individual with clinical features associated with this CADASIL. This variant has not been reported in large, multi-ethnic general populations. This variant alters a critical location within the protein, and is expected to severely affect function and cause disease. Greater than 90% of NOTCH3 pathogenic variants associated with CADASIL involve the gain or loss of a cysteine residue within the epidermal growth factor (EGF)-like repeat domain (PMID: 32457593, 20301673).

Literature cited by the submitters: PubMed 36401683 (cited by Mayo Clinic Laboratories, Mayo Clinic and Labcorp Genetics (formerly Invitae), Labcorp).